The following is an entry in ClinVar:

ClinVar aggregate classification (germline): Uncertain significance. Review status: criteria provided, multiple submitters, no conflicts (2 of 4 stars). 2 submissions from 2 submitters: Uncertain significance (2). Last evaluated 2026-05-28.

Conditions:
PCDH15-related disorder. Also called: PCDH15-related disorders; PCDH15-related condition.
Inborn genetic diseases. Identifiers: MedGen C0950123, MeSH D030342.

gnomAD v4.1: 89 of 1,604,458 alleles (0.0055%); highest among the groups gnomAD compares: Middle Eastern, 0.05%; no homozygotes.

Submissions (2):

PreventionGenetics, part of Exact Sciences
Classification: Uncertain significance for PCDH15-related condition. Last evaluated: 2026-05-28. Review status: criteria provided, single submitter. Criteria: ACMG Guidelines, 2015. Collection method: clinical testing. Allele origin: germline.
Comment: The PCDH15 c.5195C>T variant is predicted to result in the amino acid substitution p.Ser1732Leu. To our knowledge, this variant has not been reported in the literature. This variant is reported in 0.050% of alleles in individuals of South Asian descent in gnomAD. At this time, the clinical significance of this variant is uncertain due to the absence of conclusive functional and genetic evidence.

Ambry Genetics
Classification: Uncertain significance for Inborn genetic diseases. Last evaluated: 2025-08-20. Review status: criteria provided, single submitter. Criteria: Ambry Variant Classification Scheme 2023. Collection method: clinical testing. Allele origin: germline.

NM_001384140.1(PCDH15):c.4671+1686C>T

Gene: PCDH15 (protocadherin related 15; minus strand). Cytogenetic location: 10q21.1.
Variant type: single nucleotide variant.
Coding change: c.4671+1686C>T on transcript NM_001384140.1 (MANE Select); 1686 bases into the intron after coding-DNA position 4671, C replaced by T.
Molecular consequence: intron variant. On other transcripts: missense variant (2), 3 prime UTR variant (1).
Genome position (GRCh38, 1-based): chr10:53,808,870, G>A on the plus strand (C>T on the coding strand, the complement: PCDH15 is on the minus strand). VCF-style: chr10-53808870-G-A. GRCh37 (hg19) VCF-style: chr10-55568630-G-A.
Other names: c.5174C>T, p.Ser1725Leu (NM_001354411.2); c.4476+1686C>T (NM_001354420.2); c.4605+1686C>T (NM_001354429.2); c.4482+1686C>T (NM_001142772.2); c.4497+1686C>T (NM_001142771.2); c.5195C>T, p.Ser1732Leu (NM_001142769.4); c.*610C>T (NM_001142770.3); short protein forms S1732L, S1725L.
Identifiers: ClinVar variation 4131665 (VCV004131665.2).